The following is an entry in ClinVar:

NM_017950.4(CCDC40):c.661G>A (p.Val221Ile)

Gene: CCDC40 (coiled-coil domain 40 molecular ruler complex subunit; plus strand). Cytogenetic location: 17q25.3.
Variant type: single nucleotide variant.
Coding change: c.661G>A on transcript NM_017950.4 (MANE Select); coding-DNA position 661, G replaced by A.
Protein change: p.Val221Ile; replaces valine 221 with isoleucine.
Molecular consequence: missense variant.
Genome position (GRCh38, 1-based): chr17:80,047,387, G>A. VCF-style: chr17-80047387-G-A. GRCh37 (hg19) VCF-style: chr17-78021186-G-A.
Other names: c.661G>A, p.Val221Ile (NM_001243342.2, NM_001330508.2); short protein forms V221I.
Identifiers: ClinVar variation 1034424 (VCV001034424.13), dbSNP rs371890970, ClinGen allele CA8813516.
Genomic context (GRCh38, chr17:80,047,387, plus strand): 5'-CAGCACCGCTTCCGGCTGAGCCACGGGAGCGACATCGAGTCCTCAGACCTGGAGGAGTTC[G>A]TCTCGCAGGAGCCAGGTGCCACCCACCTGCTGAGGTCACCCTGCCCTGGCGATGAGCCAC-3'
Protein context (NP_060420.2, residues 211-231): DIESSDLEEF[Val221Ile]SQEPVIPPGV

ClinVar aggregate classification (germline): Uncertain significance. Review status: criteria provided, multiple submitters, no conflicts (2 of 4 stars). 4 submissions from 4 submitters: Uncertain significance (4). Last evaluated 2025-12-01.

Conditions:
Primary ciliary dyskinesia. Also called: Ciliary dyskinesia. Identifiers: Orphanet 244, MedGen C0008780, MONDO:0016575, HP:0012265.

Allele frequency attached by ClinVar (database versions not stated): TOPMed 0.00002; gnomAD exomes 0.00006 and 0.00010; ESP Exome Variant Server 0.00008; ExAC 0.00010; 1000 Genomes Project 30x 0.00016; 1000 Genomes Project 0.00040.
gnomAD v4.1: 89 of 1,612,780 alleles (0.0055%); highest among the groups gnomAD compares: South Asian, 0.069%; 1 homozygote.

Submissions (4):

Ambry Genetics
Classification: Uncertain significance for Primary ciliary dyskinesia. Last evaluated: 2025-12-01. Review status: criteria provided, single submitter. Criteria: Ambry Variant Classification Scheme 2023. Collection method: clinical testing. Allele origin: germline.
Comment: The p.V221I variant (also known as c.661G>A), located in coding exon 4 of the CCDC40 gene, results from a G to A substitution at nucleotide position 661. The valine at codon 221 is replaced by isoleucine, an amino acid with highly similar properties. This amino acid position is poorly conserved in available vertebrate species. In addition, this alteration is predicted to be tolerated by in silico analysis. Since supporting evidence is limited at this time, the clinical significance of this alteration remains unclear.

GeneDx
Classification: Uncertain significance. Last evaluated: 2024-12-12. Review status: criteria provided, single submitter. Criteria: GeneDx Variant Classification Process June 2021. Collection method: clinical testing. Allele origin: germline. Affected: yes.
Comment: In silico analysis indicates that this missense variant does not alter protein structure/function; Has not been previously published as pathogenic or benign to our knowledge

Labcorp Genetics (formerly Invitae), Labcorp
Classification: Uncertain significance for Primary ciliary dyskinesia. Last evaluated: 2024-01-07. Review status: criteria provided, single submitter. Criteria: Invitae Variant Classification Sherloc (09022015). Collection method: clinical testing. Allele origin: germline.
Comment: This sequence change replaces valine, which is neutral and non-polar, with isoleucine, which is neutral and non-polar, at codon 221 of the CCDC40 protein (p.Val221Ile). This variant is present in population databases (rs371890970, gnomAD 0.06%). This variant has not been reported in the literature in individuals affected with CCDC40-related conditions. ClinVar contains an entry for this variant (Variation ID: 1034424). An algorithm developed to predict the effect of missense changes on protein structure and function (PolyPhen-2) suggests that this variant¬†is likely to be tolerated. In summary, the available evidence is currently insufficient to determine the role of this variant in disease. Therefore, it has been classified as a Variant of Uncertain Significance.

Centre of Medical Genetics, University Hospital Muenster
Classification: Uncertain significance. Last evaluated: 2023-01-04. Review status: criteria provided, single submitter. Criteria: ACMG Guidelines, 2015. Collection method: clinical testing. Allele origin: unknown. Affected: yes. Observed: 1 variant allele, 1 heterozygote.
Comment: ACMG categories: PM2